The following is an entry in ClinVar:

ClinVar aggregate classification (germline): Likely benign (1 of 4 stars; one submission).

gnomAD v4.1: 17 of 1,209,754 alleles (0.0014%); highest among the groups gnomAD compares: Admixed American, 0.0043%; no homozygotes.

Submission:

CeGaT Center for Human Genetics Tuebingen
Classification: Likely benign. Last evaluated: 2026-07-01. Review status: criteria provided, single submitter. Criteria: CeGaT Center For Human Genetics Tuebingen Variant Classification Criteria Version 2. Collection method: clinical testing. Allele origin: germline. Affected: yes. Observed: 1 variant allele.
Comment: SRPK3: BP4, BP7, BS2

NM_014370.4(SRPK3):c.1584C>T (p.Tyr528=)

Gene: SRPK3 (SRSF protein kinase 3; plus strand). Cytogenetic location: Xq28.
Variant type: single nucleotide variant.
Coding change: c.1584C>T on transcript NM_014370.4 (MANE Select); coding-DNA position 1584, C replaced by T.
Protein change: p.Tyr528=; no amino-acid change (tyrosine 528 retained).
Molecular consequence: synonymous variant.
Genome position (GRCh38, 1-based): chrX:153,785,400, C>T. VCF-style: chrX-153785400-C-T. GRCh37 (hg19) VCF-style: chrX-153050855-C-T.
Other names: c.1581C>T, p.Tyr527= (NM_001170760.2); c.1482C>T, p.Tyr494= (NM_001170761.2).
Identifiers: ClinVar variation 5038705 (VCV005038705.1).